The following is an entry in ClinVar:

ClinVar aggregate classification (germline): Likely pathogenic (1 of 4 stars; one submission).

Conditions:
Usher syndrome. Also called: Usher Syndromes; Usher's syndrome. Identifiers: Orphanet 886, MedGen CN469326, MeSH D052245, MONDO:0019501. Disease mechanism: loss of function.

gnomAD v4.1: 3 of 1,611,150 alleles (0.00019%); highest among the groups gnomAD compares: Middle Eastern, 0.018%; no homozygotes.

Submission:

Women's Health and Genetics/Laboratory Corporation of America, LabCorp
Classification: Likely pathogenic for Usher syndrome. Last evaluated: 2025-10-09. Review status: criteria provided, single submitter. Criteria: LabCorp Variant Classification Summary - May 2015. Collection method: clinical testing. Allele origin: germline.
Comment: Variant summary: USH2A c.11389+3A>G alters a conserved nucleotide located close to a canonical splice site and therefore could affect mRNA splicing, leading to a significantly altered protein sequence. Several computational tools predict a significant impact on normal splicing: Two predict the variant weakens a canonical 5' donor site. One predicts the variant no significant impact on splicing. At least one publication reports experimental evidence that this variant partially affects mRNA splicing at exon 58 in a minigene assay (Reurink_2022). The frequency data for this variant in gnomAD is considered unreliable, as metrics indicate poor data quality at this position. c.11389+3A>G has been observed as compound heterozygous with a nonsense variant in an individual affected with Usher Syndrome (Bonnet_2016). The following publications have been ascertained in the context of this evaluation (PMID: 27460420, 36362125). No submitters have cited clinical-significance assessments for this variant to ClinVar. Based on the evidence outlined above, the variant was classified as likely pathogenic.

Literature cited by the submitters: PubMed 27460420; PubMed 36362125.

NM_206933.4(USH2A):c.11389+3A>G

Gene: USH2A (usherin; minus strand). Cytogenetic location: 1q41.
Variant type: single nucleotide variant.
Coding change: c.11389+3A>G on transcript NM_206933.4 (MANE Select); 3 bases into the intron after coding-DNA position 11389, A replaced by G.
Molecular consequence: intron variant.
Genome position (GRCh38, 1-based): chr1:215,758,592, T>C on the plus strand (A>G on the coding strand, the complement: USH2A is on the minus strand). VCF-style: chr1-215758592-T-C. GRCh37 (hg19) VCF-style: chr1-215931934-T-C.
Identifiers: ClinVar variation 4688174 (VCV004688174.1).
Genomic context (GRCh38, chr1:215,758,592, plus strand): 5'-ATCTCTAATTAATTCCTTTAAAATGTTTACACACACACACACATACTTCTTTTTTTTTTT[T>C]ACCTGGTGGTATCCAAGCTACAAATATAGAATAAGGCCCAATTACTGTGATATTATATGG-3'